The following is an entry in ClinVar:

NM_000238.4(KCNH2):c.1830G>A (p.Lys610=)

Gene: KCNH2 (potassium voltage-gated channel subfamily H member 2; minus strand). Cytogenetic location: 7q36.1.
Variant type: single nucleotide variant.
Coding change: c.1830G>A on transcript NM_000238.4 (MANE Select); coding-DNA position 1830, G replaced by A.
Protein change: p.Lys610=; no amino-acid change (lysine 610 retained).
Molecular consequence: synonymous variant. On other transcripts: non-coding transcript variant (2).
Genome position (GRCh38, 1-based): chr7:150,951,563, C>T on the plus strand (G>A on the coding strand, the complement: KCNH2 is on the minus strand). VCF-style: chr7-150951563-C-T. GRCh37 (hg19) VCF-style: chr7-150648651-C-T.
Other names: c.810G>A, p.Lys270= (NM_001204798.2, NM_172057.3); c.1542G>A, p.Lys514= (NM_001406753.1, NM_001406756.1); c.1653G>A, p.Lys551= (NM_001406755.1); c.1530G>A, p.Lys510= (NM_001406757.1); c.1830G>A, p.Lys610= (NM_172056.3).
Identifiers: ClinVar variation 2773445 (VCV002773445.7), dbSNP rs775838163, ClinGen allele CA029535.

ClinVar aggregate classification (germline): Likely benign. Review status: criteria provided, multiple submitters, no conflicts (2 of 4 stars). 4 submissions from 4 submitters: Likely benign (4). Last evaluated 2026-05-14.

Conditions:
Cardiovascular phenotype. Identifiers: MedGen CN230736.
Cardiac arrhythmia. Also called: Cardiac rhythm disease; Arrhythmia. Identifiers: MedGen C0003811, MONDO:0007263, HP:0011675.
Long QT syndrome (LQTS). Identifiers: MedGen C0023976, MeSH D008133, MONDO:0002442. Disease mechanism: loss of function. Inheritance: Various modes of inheritance.

Allele frequency attached by ClinVar (database versions not stated): gnomAD exomes 0.00001; TOPMed below 0.00001; ExAC 0.00001; gnomAD 0.00001.
gnomAD v4.1: 4 of 1,614,090 alleles (0.00025%); highest among the groups gnomAD compares: Non-Finnish European, 0.00034%; no homozygotes.

Submissions (4):

Ambry Genetics
Classification: Likely benign for Cardiovascular phenotype. Last evaluated: 2026-05-14. Review status: criteria provided, single submitter. Criteria: Ambry Variant Classification Scheme 2023. Collection method: clinical testing. Allele origin: germline.

All of Us Research Program, National Institutes of Health
Classification: Likely benign for Long QT syndrome. Last evaluated: 2024-03-24. Review status: criteria provided, single submitter. Criteria: ACMG Guidelines, 2015. Collection method: clinical testing. Allele origin: germline. Inheritance: Autosomal dominant inheritance. Observed: 3 variant alleles, 3 heterozygotes.
Comment: This study involves interpretation of variants in research participants for the purpose of population health screening. Participant phenotype was not available at the time of variant classification. Additional details can be found in publication PMID: 35346344, PMCID: PMC8962531

Labcorp Genetics (formerly Invitae), Labcorp
Classification: Likely benign for Long QT syndrome. Last evaluated: 2024-02-16. Review status: criteria provided, single submitter. Criteria: Invitae Variant Classification Sherloc (09022015). Collection method: clinical testing. Allele origin: germline.

Color Diagnostics, LLC DBA Color Health
Classification: Likely benign for Cardiac arrhythmia. Last evaluated: 2022-05-23. Review status: criteria provided, single submitter. Criteria: ACMG Guidelines, 2015. Collection method: clinical testing. Allele origin: germline.